The following is an entry in ClinVar:

NM_012448.4(STAT5B):c.1155C>G (p.Asn385Lys)

Gene: STAT5B (signal transducer and activator of transcription 5B; minus strand). Cytogenetic location: 17q21.2.
Variant type: single nucleotide variant.
Coding change: c.1155C>G on transcript NM_012448.4 (MANE Select); coding-DNA position 1155, C replaced by G.
Protein change: p.Asn385Lys; replaces asparagine 385 with lysine.
Molecular consequence: missense variant.
Genome position (GRCh38, 1-based): chr17:42,218,165, G>C on the plus strand (C>G on the coding strand, the complement: STAT5B is on the minus strand). VCF-style: chr17-42218165-G-C. GRCh37 (hg19) VCF-style: chr17-40370183-G-C.
Other names: short protein forms N385K.
Identifiers: ClinVar variation 2119539 (VCV002119539.4), dbSNP rs750619589, ClinGen allele CA399584232.

ClinVar aggregate classification (germline): Uncertain significance (1 of 4 stars; one submission).

Conditions:
Growth hormone insensitivity with immune dysregulation 1, autosomal recessive. Also called: GROWTH HORMONE INSENSITIVITY DUE TO POSTRECEPTOR DEFECT; LARON SYNDROME DUE TO POSTRECEPTOR DEFECT; Laron syndrome with immunodeficiency; GROWTH HORMONE INSENSITIVITY SYNDROME WITH IMMUNE DYSREGULATION 1, AUTOSOMAL RECESSIVE. Identifiers: Orphanet 220465, MedGen C5435698, MONDO:0100211, OMIM 245590.

gnomAD v4.1: 1 of 1,614,120 alleles (0.000062%); highest among the groups gnomAD compares: Non-Finnish European, 0.000085%; no homozygotes.

Submission:

Labcorp Genetics (formerly Invitae), Labcorp
Classification: Uncertain significance for Growth hormone insensitivity with immune dysregulation 1, autosomal recessive. Last evaluated: 2022-04-04. Review status: criteria provided, single submitter. Criteria: Invitae Variant Classification Sherloc (09022015). Collection method: clinical testing. Allele origin: germline.
Comment: This sequence change replaces asparagine, which is neutral and polar, with lysine, which is basic and polar, at codon 385 of the STAT5B protein (p.Asn385Lys). This variant is not present in population databases (gnomAD no frequency). This variant has not been reported in the literature in individuals affected with STAT5B-related conditions. Algorithms developed to predict the effect of missense changes on protein structure and function are either unavailable or do not agree on the potential impact of this missense change (SIFT: "Deleterious"; PolyPhen-2: "Benign"; Align-GVGD: "Class C65"). In summary, the available evidence is currently insufficient to determine the role of this variant in disease. Therefore, it has been classified as a Variant of Uncertain Significance.